The following is an entry in ClinVar:

NM_000350.3(ABCA4):c.3059T>G (p.Val1020Gly)

Gene: ABCA4 (ATP binding cassette subfamily A member 4; minus strand). Cytogenetic location: 1p22.1.
Variant type: single nucleotide variant.
Coding change: c.3059T>G on transcript NM_000350.3 (MANE Select); coding-DNA position 3059, T replaced by G.
Protein change: p.Val1020Gly; replaces valine 1020 with glycine.
Molecular consequence: missense variant.
Genome position (GRCh38, 1-based): chr1:94,043,467, A>C on the plus strand (T>G on the coding strand, the complement: ABCA4 is on the minus strand). VCF-style: chr1-94043467-A-C. GRCh37 (hg19) VCF-style: chr1-94509023-A-C.
Other names: c.2837T>G, p.Val946Gly (NM_001425324.1); short protein forms V1020G, V946G.
Identifiers: ClinVar variation 3673269 (VCV003673269.2).

ClinVar aggregate classification (germline): Likely pathogenic (1 of 4 stars; one submission).

Submission:

Labcorp Genetics (formerly Invitae), Labcorp
Classification: Likely pathogenic. Last evaluated: 2024-10-15. Review status: criteria provided, single submitter. Criteria: Invitae Variant Classification Sherloc (09022015). Collection method: clinical testing. Allele origin: germline.
Comment: This sequence change replaces valine, which is neutral and non-polar, with glycine, which is neutral and non-polar, at codon 1020 of the ABCA4 protein (p.Val1020Gly). This variant is not present in population databases (gnomAD no frequency). This variant has not been reported in the literature in individuals affected with ABCA4-related conditions. Invitae Evidence Modeling of protein sequence and biophysical properties (such as structural, functional, and spatial information, amino acid conservation, physicochemical variation, residue mobility, and thermodynamic stability) indicates that this missense variant is expected to disrupt ABCA4 protein function with a positive predictive value of 95%. This variant disrupts the p.Val1020 amino acid residue in ABCA4. Other variant(s) that disrupt this residue have been determined to be pathogenic (internal data). This suggests that this residue is clinically significant, and that variants that disrupt this residue are likely to be disease-causing. In summary, the currently available evidence indicates that the variant is pathogenic, but additional data are needed to prove that conclusively. Therefore, this variant has been classified as Likely Pathogenic.